The following is an entry in ClinVar:

NM_004092.4(ECHS1):c.833C>T (p.Ala278Val)

Gene: ECHS1 (enoyl-CoA hydratase, short chain 1; minus strand). Cytogenetic location: 10q26.3.
Variant type: single nucleotide variant.
Coding change: c.833C>T on transcript NM_004092.4 (MANE Select); coding-DNA position 833, C replaced by T.
Protein change: p.Ala278Val; replaces alanine 278 with valine.
Molecular consequence: missense variant.
Genome position (GRCh38, 1-based): chr10:133,362,908, G>A on the plus strand (C>T on the coding strand, the complement: ECHS1 is on the minus strand). VCF-style: chr10-133362908-G-A. GRCh37 (hg19) VCF-style: chr10-135176412-G-A.
Other names: short protein forms A278V.
Identifiers: ClinVar variation 1033636 (VCV001033636.2), dbSNP rs923554493, ClinGen allele CA216813346.

ClinVar aggregate classification (germline): Uncertain significance. Review status: criteria provided, multiple submitters, no conflicts (2 of 4 stars). 2 submissions from 2 submitters: Uncertain significance (2). Last evaluated 2021-06-09.

Conditions:
Mitochondrial short-chain Enoyl-Coa hydratase 1 deficiency. Also called: Mitochondrial Short-Chain Enoyl-CoA Hydratase Deficiency; PxMD-ECHS1; ECHS1 deficiency. Identifiers: Orphanet 255241, Orphanet 653880, MedGen C4225391, MONDO:0014563, OMIM 616277.

Allele frequency attached by ClinVar (database versions not stated): TOPMed below 0.00001; gnomAD 0.00001; gnomAD exomes 0.00001.
gnomAD v4.1: 18 of 1,613,964 alleles (0.0011%); highest among the groups gnomAD compares: Non-Finnish European, 0.0014%; no homozygotes.

Submissions (2):

Blueprint Genetics
Classification: Uncertain significance. Last evaluated: 2021-06-09. Review status: criteria provided, single submitter. Criteria: ACMG Guidelines, 2015. Collection method: clinical testing. Allele origin: germline.

Baylor Genetics
Classification: Uncertain significance for Mitochondrial short-chain Enoyl-Coa hydratase 1 deficiency. Last evaluated: 2018-06-28. Review status: criteria provided, single submitter. Criteria: ACMG Guidelines, 2015. Collection method: clinical testing. Allele origin: unknown. Affected: yes.
Comment: This variant was determined to be of uncertain significance according to ACMG Guidelines, 2015 [PMID:25741868].